The following is an entry in ClinVar:

NM_000360.4(TH):c.897C>T (p.Phe299=)

Gene: TH (tyrosine hydroxylase; minus strand). Cytogenetic location: 11p15.5.
Variant type: single nucleotide variant.
Coding change: c.897C>T on transcript NM_000360.4 (MANE Select); coding-DNA position 897, C replaced by T.
Protein change: p.Phe299=; no amino-acid change (phenylalanine 299 retained).
Molecular consequence: synonymous variant.
Genome position (GRCh38, 1-based): chr11:2,166,713, G>A on the plus strand (C>T on the coding strand, the complement: TH is on the minus strand). VCF-style: chr11-2166713-G-A. GRCh37 (hg19) VCF-style: chr11-2187943-G-A.
Other names: c.990C>T, p.Phe330= (NM_199292.3); c.978C>T, p.Phe326= (NM_199293.3).
Identifiers: ClinVar variation 304074 (VCV000304074.42), dbSNP rs76719766, ClinGen allele CA5818451.
Genomic context (GRCh38, chr11:2,166,713, plus strand): 5'-CGAGGACGCGTGGCGGATATACTGGGTGCACTGGAACACGCGGAAGGCCAGGCTGGCCAG[G>A]AAGTCCCGGGCGGACAGCAGGCCGGCCACAGGCCGCAGCTGGAAGCCCGTGCGCTCTGCA-3'
Protein context (NP_000351.2, residues 289-309): PVAGLLSARD[Phe299=]LASLAFRVFQ

ClinVar aggregate classification (germline): Conflicting classifications of pathogenicity. Review status: criteria provided, conflicting classifications (1 of 4 stars). 5 submissions from 5 submitters: Uncertain significance (1); Likely benign (3). 1 of the submissions does not count toward it. Last evaluated 2026-01-26.

Conditions:
TH-deficient dopa-responsive dystonia. Also called: Tyrosine Hydroxylase-Deficient Dopa-Responsive Dystonia; Segawa syndrome, autosomal recessive; DYT-TH. Identifiers: Orphanet 101150, MedGen C2673535, MONDO:0011551, OMIM 605407.

Allele frequency attached by ClinVar (database versions not stated): ESP Exome Variant Server 0.00017; ExAC 0.00035; gnomAD exomes 0.00042 and 0.00104; gnomAD 0.00054 and 0.00058; TOPMed 0.00057; 1000 Genomes Project 0.00180; 1000 Genomes Project 30x 0.00219.
gnomAD v4.1: 1,549 of 1,552,354 alleles (0.1%); highest among the groups gnomAD compares: Non-Finnish European, 0.12%; 1 homozygote.

Submissions (5):

Labcorp Genetics (formerly Invitae), Labcorp
Classification: Likely benign for TH-deficient dopa-responsive dystonia. Last evaluated: 2026-01-26. Review status: criteria provided, single submitter. Criteria: Invitae Variant Classification Sherloc (09022015). Collection method: clinical testing. Allele origin: germline.

Blueprint Genetics
Classification: Likely benign. Last evaluated: 2024-10-09. Review status: criteria provided, single submitter. Criteria: ACMG Guidelines, 2015. Collection method: clinical testing. Allele origin: germline.

CeGaT Center for Human Genetics Tuebingen
Classification: Likely benign. Last evaluated: 2024-03-01. Review status: criteria provided, single submitter. Criteria: CeGaT Center For Human Genetics Tuebingen Variant Classification Criteria Version 2. Collection method: clinical testing. Allele origin: germline. Affected: yes. Observed: 2 variant alleles.
Comment: TH: BP4, BP7

Illumina Laboratory Services, Illumina
Classification: Uncertain significance for TH-deficient dopa-responsive dystonia. Last evaluated: 2018-01-13. Review status: criteria provided, single submitter. Criteria: ICSL Variant Classification Criteria 13 December 2019. Collection method: clinical testing. Allele origin: germline.

Natera, Inc.
Classification: Likely benign for Autosomal recessive Segawa syndrome. Last evaluated: 2020-06-02. Review status: no assertion criteria provided. Collection method: clinical testing. Allele origin: germline. Not counted in ClinVar's aggregate classification.